The following is an entry in ClinVar:

NC_000015.9:g.(?_76566743)_(76588088_?)del

Gene: ETFA (electron transfer flavoprotein subunit alpha; minus strand). Cytogenetic location: 15q24.2.
Variant type: Deletion.
Identifiers: ClinVar variation 1490929 (VCV001490929.7).

ClinVar aggregate classification (germline): Likely pathogenic (1 of 4 stars; one submission).

Conditions:
Multiple acyl-CoA dehydrogenase deficiency (MADD). Also called: Glutaric acidemia type II; GA 2; Glutaric aciduria, type 2; ETHYLMALONIC-ADIPICACIDURIA; GA II; Glutaric Acidemia type 2. Identifiers: Orphanet 26791, MedGen C0268596, MONDO:0009282, OMIM 231680.

Submission:

Labcorp Genetics (formerly Invitae), Labcorp
Classification: Likely pathogenic for Multiple acyl-CoA dehydrogenase deficiency. Last evaluated: 2020-12-04. Review status: criteria provided, single submitter. Criteria: Invitae Variant Classification Sherloc (09022015). Collection method: clinical testing. Allele origin: germline.
Comment: In summary, the currently available evidence indicates that the variant is pathogenic, but additional data are needed to prove that conclusively. Therefore, this variant has been classified as Likely Pathogenic. This variant disrupts the p.Thr226 amino acid residue in ETFA. Other variant(s) that disrupt this residue have been determined to be pathogenic (PMID: 1430199, 12815589, 16510302, 9334218). This suggests that this residue is clinically significant, and that variants that disrupt this residue are likely to be disease-causing. Experimental studies and prediction algorithms are not available or were not evaluated, and the functional significance of this variant is currently unknown. This variant has not been reported in the literature in individuals with ETFA-related conditions. This variant is a gross deletion of the genomic region encompassing exon(s) 2-9 of the ETFA gene. This variant would be expected to be in-frame, preserving the integrity of the reading frame.

Literature cited by the submitters: PubMed 1430199; PubMed 12815589; PubMed 16510302; PubMed 9334218.